The following is an entry in ClinVar:

ClinVar aggregate classification (germline): Uncertain significance (1 of 4 stars; one submission).

Allele frequency attached by ClinVar (database versions not stated): ExAC 0.00004; gnomAD exomes 0.00004 and 0.00009; gnomAD 0.00006; TOPMed 0.00010; 1000 Genomes Project 0.00040; 1000 Genomes Project 30x 0.00062.
gnomAD v4.1: 73 of 1,613,828 alleles (0.0045%); highest among the groups gnomAD compares: Middle Eastern, 0.099%; no homozygotes.

Submission:

Labcorp Genetics (formerly Invitae), Labcorp
Classification: Uncertain significance. Last evaluated: 2024-11-27. Review status: criteria provided, single submitter. Criteria: Invitae Variant Classification Sherloc (09022015). Collection method: clinical testing. Allele origin: germline.
Comment: This sequence change replaces valine, which is neutral and non-polar, with alanine, which is neutral and non-polar, at codon 632 of the C7 protein (p.Val632Ala). This variant is present in population databases (rs534452892, gnomAD 0.03%). This variant has not been reported in the literature in individuals affected with C7-related conditions. ClinVar contains an entry for this variant (Variation ID: 1356029). Invitae Evidence Modeling of protein sequence and biophysical properties (such as structural, functional, and spatial information, amino acid conservation, physicochemical variation, residue mobility, and thermodynamic stability) indicates that this missense variant is not expected to disrupt C7 protein function with a negative predictive value of 80%. In summary, the available evidence is currently insufficient to determine the role of this variant in disease. Therefore, it has been classified as a Variant of Uncertain Significance.

NM_000587.4(C7):c.1895T>C (p.Val632Ala)

Gene: C7 (complement C7; plus strand). Cytogenetic location: 5p13.1.
Variant type: single nucleotide variant.
Coding change: c.1895T>C on transcript NM_000587.4 (MANE Select); coding-DNA position 1895, T replaced by C.
Protein change: p.Val632Ala; replaces valine 632 with alanine.
Molecular consequence: missense variant.
Genome position (GRCh38, 1-based): chr5:40,972,415, T>C. VCF-style: chr5-40972415-T-C. GRCh37 (hg19) VCF-style: chr5-40972517-T-C.
Other names: short protein forms V632A.
Identifiers: ClinVar variation 1356029 (VCV001356029.5), dbSNP rs534452892, ClinGen allele CA3250144.